The following is an entry in ClinVar:

ClinVar aggregate classification (germline): Conflicting classifications of pathogenicity. Review status: criteria provided, conflicting classifications (1 of 4 stars). 2 submissions from 2 submitters: Uncertain significance (1); Likely benign (1). Last evaluated 2024-04-15.

Conditions:
Floating-Harbor syndrome (FLHS). Also called: Short stature with delayed bone age, expressive language delay, a triangular face with a prominent nose and deep-set eyes; Pelletier-Leisti syndrome; SRCAP-Related Floating-Harbor Syndrome. Identifiers: Orphanet 2044, MedGen C0729582, MONDO:0007621, OMIM 136140.

Allele frequency attached by ClinVar (database versions not stated): gnomAD 0.00001; gnomAD exomes 0.00001.
gnomAD v4.1: 11 of 1,614,042 alleles (0.00068%); highest among the groups gnomAD compares: South Asian, 0.0022%; no homozygotes.

Submissions (2):

Labcorp Genetics (formerly Invitae), Labcorp
Classification: Uncertain significance. Last evaluated: 2024-04-15. Review status: criteria provided, single submitter. Criteria: Invitae Variant Classification Sherloc (09022015). Collection method: clinical testing. Allele origin: germline.
Comment: This sequence change replaces arginine, which is basic and polar, with cysteine, which is neutral and slightly polar, at codon 319 of the SRCAP protein (p.Arg319Cys). This variant is present in population databases (no rsID available, gnomAD 0.01%). This variant has not been reported in the literature in individuals affected with SRCAP-related conditions. Advanced modeling of protein sequence and biophysical properties (such as structural, functional, and spatial information, amino acid conservation, physicochemical variation, residue mobility, and thermodynamic stability) performed at Invitae indicates that this missense variant is not expected to disrupt SRCAP protein function with a negative predictive value of 80%. Algorithms developed to predict the effect of sequence changes on RNA splicing suggest that this variant may create or strengthen a splice site. In summary, the available evidence is currently insufficient to determine the role of this variant in disease. Therefore, it has been classified as a Variant of Uncertain Significance.

Genomic Medicine Center of Excellence, King Faisal Specialist Hospital and Research Centre
Classification: Likely benign for Floating-Harbor syndrome. Last evaluated: 2024-03-29. Review status: criteria provided, single submitter. Criteria: ACMG Guidelines, 2015. Collection method: clinical testing. Allele origin: germline.

NM_006662.3(SRCAP):c.955C>T (p.Arg319Cys)

Gene: SRCAP (Snf2 related CREBBP activator protein; plus strand). Cytogenetic location: 16p11.2.
Variant type: single nucleotide variant.
Coding change: c.955C>T on transcript NM_006662.3 (MANE Select); coding-DNA position 955, C replaced by T.
Protein change: p.Arg319Cys; replaces arginine 319 with cysteine.
Molecular consequence: missense variant.
Genome position (GRCh38, 1-based): chr16:30,709,949, C>T. VCF-style: chr16-30709949-C-T. GRCh37 (hg19) VCF-style: chr16-30721270-C-T.
Other names: short protein forms R319C.
Identifiers: ClinVar variation 3065814 (VCV003065814.3), dbSNP rs868706745, ClinGen allele CA280504398.